The following is an entry in ClinVar:

ClinVar aggregate classification (germline): Uncertain significance (1 of 4 stars; one submission).

gnomAD v4.1: 2 of 1,608,726 alleles (0.00012%); highest among the groups gnomAD compares: Non-Finnish European, 0.000085%; no homozygotes.

Submission:

Labcorp Genetics (formerly Invitae), Labcorp
Classification: Uncertain significance. Last evaluated: 2024-08-30. Review status: criteria provided, single submitter. Criteria: Invitae Variant Classification Sherloc (09022015). Collection method: clinical testing. Allele origin: germline.
Comment: This sequence change replaces proline, which is neutral and non-polar, with serine, which is neutral and polar, at codon 954 of the ABCA3 protein (p.Pro954Ser). This variant is not present in population databases (gnomAD no frequency). This variant has not been reported in the literature in individuals affected with ABCA3-related conditions. Invitae Evidence Modeling of protein sequence and biophysical properties (such as structural, functional, and spatial information, amino acid conservation, physicochemical variation, residue mobility, and thermodynamic stability) indicates that this missense variant is not expected to disrupt ABCA3 protein function with a negative predictive value of 80%. In summary, the available evidence is currently insufficient to determine the role of this variant in disease. Therefore, it has been classified as a Variant of Uncertain Significance.

NM_001089.3(ABCA3):c.2860C>T (p.Pro954Ser)

Gene: ABCA3 (ATP binding cassette subfamily A member 3; minus strand). Cytogenetic location: 16p13.3.
Variant type: single nucleotide variant.
Coding change: c.2860C>T on transcript NM_001089.3 (MANE Select); coding-DNA position 2860, C replaced by T.
Protein change: p.Pro954Ser; replaces proline 954 with serine.
Molecular consequence: missense variant.
Genome position (GRCh38, 1-based): chr16:2,288,170, G>A on the plus strand (C>T on the coding strand, the complement: ABCA3 is on the minus strand). VCF-style: chr16-2288170-G-A. GRCh37 (hg19) VCF-style: chr16-2338171-G-A.
Other names: short protein forms P954S.
Identifiers: ClinVar variation 3640798 (VCV003640798.2).